The following is an entry in ClinVar:

NM_006946.4(SPTBN2):c.1895C>T (p.Ala632Val)

Gene: SPTBN2 (spectrin beta, non-erythrocytic 2; minus strand). Cytogenetic location: 11q13.2.
Variant type: single nucleotide variant.
Coding change: c.1895C>T on transcript NM_006946.4 (MANE Select); coding-DNA position 1895, C replaced by T.
Protein change: p.Ala632Val; replaces alanine 632 with valine.
Molecular consequence: missense variant.
Genome position (GRCh38, 1-based): chr11:66,705,381, G>A on the plus strand (C>T on the coding strand, the complement: SPTBN2 is on the minus strand). VCF-style: chr11-66705381-G-A. GRCh37 (hg19) VCF-style: chr11-66472852-G-A.
Other names: c.1895C>T (NM_006946.2); short protein forms A632V.
Identifiers: ClinVar variation 1329497 (VCV001329497.10), dbSNP rs757932120, ClinGen allele CA6129226.

ClinVar aggregate classification (germline): Uncertain significance. Review status: criteria provided, multiple submitters, no conflicts (2 of 4 stars). 4 submissions from 4 submitters: Uncertain significance (4). Last evaluated 2026-03-24.

Conditions:
Inborn genetic diseases. Identifiers: MedGen C0950123, MeSH D030342.
Autosomal recessive spinocerebellar ataxia 14. Also called: CEREBELLAR ATAXIA, AUTOSOMAL RECESSIVE, SPECTRIN-ASSOCIATED, 1. Identifiers: Orphanet 352403, MedGen C4706415, MONDO:0014159, OMIM 615386.

Allele frequency attached by ClinVar (database versions not stated): TOPMed 0.00004; gnomAD 0.00005; gnomAD exomes 0.00007 and 0.00010; ExAC 0.00013.
gnomAD v4.1: 110 of 1,612,604 alleles (0.0068%); highest among the groups gnomAD compares: Non-Finnish European, 0.0066%; no homozygotes.

Submissions (4):

Women's Health and Genetics/Laboratory Corporation of America, LabCorp
Classification: Uncertain significance. Last evaluated: 2026-03-24. Review status: criteria provided, single submitter. Criteria: LabCorp Variant Classification Summary - May 2015. Collection method: clinical testing. Allele origin: germline.
Comment: Variant summary: SPTBN2 c.1895C>T (p.Ala632Val) results in a non-conservative amino acid change in the encoded protein sequence. Algorithms developed to predict the effect of missense changes on protein structure and function are either unavailable or do not agree on the potential impact of this missense change. The variant allele was found at a frequency of 9.8e-05 in 244736 control chromosomes. This frequency is not significantly higher than estimated for disease-causing variants in SPTBN2, allowing no conclusion about variant significance. To our knowledge, no occurrence of c.1895C>T in individuals affected with SPTBN2-related conditions and no experimental evidence demonstrating its impact on protein function have been reported. ClinVar contains an entry for this variant (Variation ID: 1329497). Based on the evidence outlined above, the variant was classified as uncertain significance.

Labcorp Genetics (formerly Invitae), Labcorp
Classification: Uncertain significance. Last evaluated: 2025-05-30. Review status: criteria provided, single submitter. Criteria: Invitae Variant Classification Sherloc (09022015). Collection method: clinical testing. Allele origin: germline.
Comment: This sequence change replaces alanine, which is neutral and non-polar, with valine, which is neutral and non-polar, at codon 632 of the SPTBN2 protein (p.Ala632Val). This variant is present in population databases (rs757932120, gnomAD 0.02%). This variant has not been reported in the literature in individuals affected with SPTBN2-related conditions. ClinVar contains an entry for this variant (Variation ID: 1329497). Invitae Evidence Modeling of protein sequence and biophysical properties (such as structural, functional, and spatial information, amino acid conservation, physicochemical variation, residue mobility, and thermodynamic stability) indicates that this missense variant is not expected to disrupt SPTBN2 protein function with a negative predictive value of 80%. In summary, the available evidence is currently insufficient to determine the role of this variant in disease. Therefore, it has been classified as a Variant of Uncertain Significance.

Ambry Genetics
Classification: Uncertain significance for Inborn genetic diseases. Last evaluated: 2024-11-15. Review status: criteria provided, single submitter. Criteria: Ambry Variant Classification Scheme 2023. Collection method: clinical testing. Allele origin: germline.

Diagnostics Services (NGS), CSIR - Centre For Cellular And Molecular Biology
Classification: Uncertain significance for Autosomal recessive spinocerebellar ataxia 14. Last evaluated: 2021-12-06. Review status: criteria provided, single submitter. Criteria: ACMG Guidelines, 2015. Collection method: clinical testing. Allele origin: germline. Inheritance: Autosomal recessive inheritance. Affected: yes. Observed: 1 variant allele, 1 homozygote.
Comment: The c.1895C>T variant is not present in publicly available population databases like 1000 Genomes and Exome Variant Server (EVS). The heterozygous state of the variant is present in Exome Aggregation Consortium (ExAC), Genome Aggregation Database (gnomAD) and dbSNP at a very low frequency. The variant is not present in Indian Exome Database and in our in-house exome database. The variant was not earlier reported to ClinVar, Human Genome Mutation Database (HGMD) and/or OMIM databases, in any affected individuals. Predictions from different in-silico pathogenicity prediction programs like SIFT, Polyphen-2, MutationTaster2, CADD, Varsome etc. are contradictory, however these predictions have not been confirmed by any published functional studies.